The following is an entry in ClinVar:

ClinVar aggregate classification (germline): Likely benign. Review status: criteria provided, multiple submitters, no conflicts (2 of 4 stars). 2 submissions from 2 submitters: Likely benign (2). Last evaluated 2025-11-01.

gnomAD v4.1: 39 of 1,613,184 alleles (0.0024%); highest among the groups gnomAD compares: Non-Finnish European, 0.0031%; no homozygotes.

Submissions (2):

CeGaT Center for Human Genetics Tuebingen
Classification: Likely benign. Last evaluated: 2025-11-01. Review status: criteria provided, single submitter. Criteria: CeGaT Center For Human Genetics Tuebingen Variant Classification Criteria Version 2. Collection method: clinical testing. Allele origin: germline. Affected: yes. Observed: 1 variant allele.
Comment: ZNF292: BP4, BP7

Blueprint Genetics
Classification: Likely benign. Last evaluated: 2024-09-10. Review status: criteria provided, single submitter. Criteria: ACMG Guidelines, 2015. Collection method: clinical testing. Allele origin: germline.

NM_015021.3(ZNF292):c.2916G>A (p.Thr972=)

Gene: ZNF292 (zinc finger protein 292; plus strand). Cytogenetic location: 6q14.3.
Variant type: single nucleotide variant.
Coding change: c.2916G>A on transcript NM_015021.3 (MANE Select); coding-DNA position 2916, G replaced by A.
Protein change: p.Thr972=; no amino-acid change (threonine 972 retained).
Molecular consequence: synonymous variant.
Genome position (GRCh38, 1-based): chr6:87,256,545, G>A. VCF-style: chr6-87256545-G-A. GRCh37 (hg19) VCF-style: chr6-87966263-G-A.
Other names: c.2496G>A, p.Thr832= (NM_001351444.2).
Identifiers: ClinVar variation 4534418 (VCV004534418.7).